The following is an entry in ClinVar:

NM_007055.4(POLR3A):c.3835G>A (p.Gly1279Ser)

Gene: POLR3A (RNA polymerase III subunit A; minus strand). Cytogenetic location: 10q22.3.
Variant type: single nucleotide variant.
Coding change: c.3835G>A on transcript NM_007055.4 (MANE Select); coding-DNA position 3835, G replaced by A.
Protein change: p.Gly1279Ser; replaces glycine 1279 with serine.
Molecular consequence: missense variant.
Genome position (GRCh38, 1-based): chr10:77,981,484, C>T on the plus strand (G>A on the coding strand, the complement: POLR3A is on the minus strand). VCF-style: chr10-77981484-C-T. GRCh37 (hg19) VCF-style: chr10-79741242-C-T.
Other names: p.Gly1279Ser; c.3835G>A (NM_007055.3); short protein forms G1279S.
Identifiers: ClinVar variation 1461990 (VCV001461990.10), dbSNP rs371242089, ClinGen allele CA5570683.

ClinVar aggregate classification (germline): Uncertain significance. Review status: criteria provided, multiple submitters, no conflicts (2 of 4 stars). 4 submissions from 4 submitters: Uncertain significance (4). Last evaluated 2026-03-24.

Conditions:
Inborn genetic diseases. Identifiers: MedGen C0950123, MeSH D030342.

Allele frequency attached by ClinVar (database versions not stated): ExAC 0.00002; gnomAD 0.00003 and 0.00001; ESP Exome Variant Server 0.00008; gnomAD exomes 0.00003 and 0.00002; TOPMed 0.00003.

Submissions (4):

GeneDx
Classification: Uncertain significance. Last evaluated: 2026-03-24. Review status: criteria provided, single submitter. Criteria: GeneDx Variant Classification Process June 2021. Collection method: clinical testing. Allele origin: germline.
Comment: Not observed at significant frequency in large population cohorts (gnomAD); In silico analysis supports that this missense variant has a deleterious effect on protein structure/function; Has not been previously published as pathogenic or benign to our knowledge

Ambry Genetics
Classification: Uncertain significance for Inborn genetic diseases. Last evaluated: 2025-09-18. Review status: criteria provided, single submitter. Criteria: Ambry Variant Classification Scheme 2023. Collection method: clinical testing. Allele origin: germline.

Mayo Clinic Laboratories, Mayo Clinic
Classification: Uncertain significance. Last evaluated: 2023-11-28. Review status: criteria provided, single submitter. Criteria: ACMG Guidelines, 2015. Collection method: clinical testing. Allele origin: germline. Observed: 2 variant alleles.
Comment: PP3, PM2_moderate

Labcorp Genetics (formerly Invitae), Labcorp
Classification: Uncertain significance. Last evaluated: 2022-02-24. Review status: criteria provided, single submitter. Criteria: Invitae Variant Classification Sherloc (09022015). Collection method: clinical testing. Allele origin: germline.
Comment: This sequence change replaces glycine, which is neutral and non-polar, with serine, which is neutral and polar, at codon 1279 of the POLR3A protein (p.Gly1279Ser). This variant is present in population databases (rs371242089, gnomAD 0.006%). This variant has not been reported in the literature in individuals affected with POLR3A-related conditions. Algorithms developed to predict the effect of missense changes on protein structure and function are either unavailable or do not agree on the potential impact of this missense change (SIFT: "Deleterious"; PolyPhen-2: "Probably Damaging"; Align-GVGD: "Class C0"). Algorithms developed to predict the effect of sequence changes on RNA splicing suggest that this variant may create or strengthen a splice site. In summary, the available evidence is currently insufficient to determine the role of this variant in disease. Therefore, it has been classified as a Variant of Uncertain Significance.